The following is an entry in ClinVar:

ClinVar aggregate classification (germline): Benign. Review status: reviewed by expert panel (3 of 4 stars). 11 submissions from 11 submitters: Benign (1). 10 of the submissions do not count toward it. Last evaluated 2026-06-11.

Conditions:
OTC-related disorder. Also called: OTC-related condition.
Inborn genetic diseases. Identifiers: MedGen C0950123, MeSH D030342.
Ornithine carbamoyltransferase deficiency (OTCD). Also called: Ornithine Carbamoyltransferase Deficiency Disease; OTC DEFICIENCY; ORNITHINE TRANSCARBAMYLASE DEFICIENCY; ORNITHINE TRANSCARBAMYLASE DEFICIENCY, HYPERAMMONEMIA DUE TO. Identifiers: Orphanet 664, MedGen C0268542, MONDO:0010703, OMIM 311250.

Allele frequency attached by ClinVar (database versions not stated): gnomAD exomes 0.00016 and 0.00014; TOPMed 0.00008; ExAC 0.00020; ESP Exome Variant Server 0.00009; gnomAD 0.00011.
gnomAD v4.1: 169 of 1,198,077 alleles (0.014%); highest among the groups gnomAD compares: Non-Finnish European, 0.015%; no homozygotes.

Submissions (11):

Clingen Urea Cycle Disorders Variant Curation Expert Panel, ClinGen
Classification: Benign for Ornithine carbamoyltransferase deficiency. Last evaluated: 2026-06-11. Review status: reviewed by expert panel. Criteria: ClinGen UreaCycles ACMG Specifications OTC V1.0. Collection method: curation. Allele origin: germline. Inheritance: X-linked inheritance.
Comment: The c.140A>C variant in OTC is a missense variant predicted to cause substitution of Asparagine by Threonine at amino acid 47 (p.Asn47Thr). The highest population minor allele frequency in gnomAD v4.1.0 is 0.0001315 (135/884672 alleles) in European (non-Finnish) population, with 55 hemizygotes across all populations. This is higher than the ClinGen OTC VCEP threshold (>10 hemizygotes) for BA1, and therefore meets this criterion (BA1). The computational predictor REVEL gives a SCORE of 0.517, which is below the threshold of 0.644, evidence that correlates with uncertain impact to OTC function. In summary, this variant meets the criteria to be classified as Benign for X-linked ornithine carbamoyltransferase deficiency based on the ACMG/AMP criteria applied, as specified by the ClinGen Urea Cycle Disorders VCEP (OTC specifications version 1.0.0): BA1.

Labcorp Genetics (formerly Invitae), Labcorp
Classification: Benign for Ornithine carbamoyltransferase deficiency. Last evaluated: 2025-12-10. Review status: criteria provided, single submitter. Criteria: Invitae Variant Classification Sherloc (09022015). Collection method: clinical testing. Allele origin: germline. Not counted in ClinVar's aggregate classification.

Ambry Genetics
Classification: Benign for Inborn genetic diseases. Last evaluated: 2024-10-21. Review status: criteria provided, single submitter. Criteria: Ambry Variant Classification Scheme 2023. Collection method: clinical testing. Allele origin: germline. Not counted in ClinVar's aggregate classification.

Color Diagnostics, LLC DBA Color Health
Classification: Uncertain significance for Ornithine carbamoyltransferase deficiency. Last evaluated: 2024-02-07. Review status: criteria provided, single submitter. Criteria: ACMG Guidelines, 2015. Collection method: clinical testing. Allele origin: germline. Not counted in ClinVar's aggregate classification.
Comment: This missense variant replaces asparagine with threonine at codon 47 of the OTC protein. Computational prediction is inconclusive regarding the impact of this variant on protein structure and function. To our knowledge, functional studies have not been reported for this variant. This variant has not been reported in individuals affected with ornithine carbamoyltransferase deficiency in the literature. This variant has been identified in 31/204757 chromosomes in the general population by the Genome Aggregation Database (gnomAD). The available evidence is insufficient to determine the role of this variant in disease conclusively. Therefore, this variant is classified as a Variant of Uncertain Significance.

Blueprint Genetics
Classification: Likely benign. Last evaluated: 2023-08-04. Review status: criteria provided, single submitter. Criteria: ACMG Guidelines, 2015. Collection method: clinical testing. Allele origin: germline. Not counted in ClinVar's aggregate classification.

Genome-Nilou Lab
Classification: Uncertain significance for Ornithine carbamoyltransferase deficiency. Last evaluated: 2021-11-07. Review status: criteria provided, single submitter. Criteria: ACMG Guidelines, 2015. Collection method: clinical testing. Allele origin: germline. Affected: no. Not counted in ClinVar's aggregate classification.

Laboratory for Molecular Medicine, Mass General Brigham Personalized Medicine
Classification: Likely benign. Last evaluated: 2020-06-11. Review status: criteria provided, single submitter. Criteria: ACMG Guidelines, 2015. Collection method: clinical testing. Allele origin: germline. Not counted in ClinVar's aggregate classification.
Comment: ACMG/AMP criteria applied:BS1, BS4.

PreventionGenetics, part of Exact Sciences
Classification: Likely benign for OTC-related condition. Last evaluated: 2022-08-10. Review status: no assertion criteria provided. Collection method: clinical testing. Allele origin: germline. Not counted in ClinVar's aggregate classification.
Comment: This variant is classified as likely benign based on ACMG/AMP sequence variant interpretation guidelines (Richards et al. 2015 PMID: 25741868, with internal and published modifications).

Natera, Inc.
Classification: Uncertain significance for Ornithine transcarbamylase deficiency. Last evaluated: 2020-02-25. Review status: no assertion criteria provided. Collection method: clinical testing. Allele origin: germline. Not counted in ClinVar's aggregate classification.

CSER _CC_NCGL, University of Washington
Classification: Uncertain significance for Ornithine transcarbamylase deficiency. Last evaluated: 2014-06-01. Review status: no assertion criteria provided. Collection method: research. Allele origin: germline. Inheritance: X-linked inheritance. Study: ESP 6500 variant annotation. Not counted in ClinVar's aggregate classification.
Comment: Variants classified for the Actionable exomic incidental findings in 6503 participants: challenges of variant classification manuscript

GenMed Metabolism Lab
Classification: Pathogenic. Review status: no assertion criteria provided. Collection method: not provided. Allele origin: unknown. Not counted in ClinVar's aggregate classification.
ClinVar note: Converted during submission from pathogenic to Pathogenic.

NM_000531.6(OTC):c.140A>C (p.Asn47Thr)

Gene: OTC (ornithine transcarbamylase; plus strand). Cytogenetic location: Xp11.4.
Variant type: single nucleotide variant.
Coding change: c.140A>C on transcript NM_000531.6 (MANE Select); coding-DNA position 140, A replaced by C.
Protein change: p.Asn47Thr; replaces asparagine 47 with threonine.
Molecular consequence: missense variant.
Genome position (GRCh38, 1-based): chrX:38,367,353, A>C. VCF-style: chrX-38367353-A-C. GRCh37 (hg19) VCF-style: chrX-38226606-A-C.
Other names: NM_000531.6(OTC):c.140A>C; short protein forms N47T.
Identifiers: ClinVar variation 97112 (VCV000097112.25), dbSNP rs67939655, ClinGen allele CA224463.